The following is an entry in ClinVar:

NM_001394966.1(NEK10):c.3203G>A (p.Ser1068Asn)

Gene: NEK10 (NIMA related kinase 10; minus strand). Cytogenetic location: 3p24.1.
Variant type: single nucleotide variant.
Coding change: c.3203G>A on transcript NM_001394966.1 (MANE Select); coding-DNA position 3203, G replaced by A.
Protein change: p.Ser1068Asn; replaces serine 1068 with asparagine.
Molecular consequence: missense variant.
Genome position (GRCh38, 1-based): chr3:27,116,115, C>T on the plus strand (G>A on the coding strand, the complement: NEK10 is on the minus strand). VCF-style: chr3-27116115-C-T. GRCh37 (hg19) VCF-style: chr3-27157606-C-T.
Other names: c.3287G>A, p.Ser1096Asn (NM_001394964.1); c.3233G>A, p.Ser1078Asn (NM_001394965.1, NM_001394971.1); c.3146G>A, p.Ser1049Asn (NM_001394967.1); c.3086G>A, p.Ser1029Asn (NM_001394968.1); c.2915G>A, p.Ser972Asn (NM_001394969.1); c.3374G>A, p.Ser1125Asn (NM_001394970.1, NM_152534.6); c.1280G>A, p.Ser427Asn (NM_001031741.5); c.1310G>A, p.Ser437Asn (NM_001304384.3); and 1 more; short protein forms S1029N, S1049N, S1068N, S1078N, S1096N, S1115N, S1125N, S427N.
Identifiers: ClinVar variation 4538776 (VCV004538776.1).

ClinVar aggregate classification (germline): Uncertain significance (1 of 4 stars; one submission).

gnomAD v4.1: 947 of 1,613,346 alleles (0.059%); highest among the groups gnomAD compares: Non-Finnish European, 0.074%; no homozygotes.

Submission:

GeneDx
Classification: Uncertain significance. Last evaluated: 2025-06-18. Review status: criteria provided, single submitter. Criteria: GeneDx Variant Classification Process June 2021. Collection method: clinical testing. Allele origin: germline. Affected: yes.
Comment: In silico analysis suggests that this missense variant does not alter protein structure/function; Has not been previously published as pathogenic or benign to our knowledge; Reported using an alternate transcript of the gene